The following is an entry in ClinVar:

ClinVar aggregate classification (germline): Uncertain significance (1 of 4 stars; one submission).

Submission:

GeneDx
Classification: Uncertain significance. Last evaluated: 2025-08-12. Review status: criteria provided, single submitter. Criteria: GeneDx Variant Classification Process June 2021. Collection method: clinical testing. Allele origin: germline.
Comment: Not observed at significant frequency in large population cohorts (gnomAD); In silico analysis supports that this missense variant has a deleterious effect on protein structure/function; Has not been previously published as pathogenic or benign to our knowledge

NM_014159.7(SETD2):c.5052T>G (p.Asn1684Lys)

Gene: SETD2 (SET domain containing 2, histone lysine methyltransferase; minus strand). Cytogenetic location: 3p21.31.
Variant type: single nucleotide variant.
Coding change: c.5052T>G on transcript NM_014159.7 (MANE Select); coding-DNA position 5052, T replaced by G.
Protein change: p.Asn1684Lys; replaces asparagine 1684 with lysine.
Molecular consequence: missense variant. On other transcripts: non-coding transcript variant (1).
Genome position (GRCh38, 1-based): chr3:47,098,045, A>C on the plus strand (T>G on the coding strand, the complement: SETD2 is on the minus strand). VCF-style: chr3-47098045-A-C. GRCh37 (hg19) VCF-style: chr3-47139535-A-C.
Other names: c.4920T>G, p.Asn1640Lys (NM_001349370.3); short protein forms N1640K, N1684K.
Identifiers: ClinVar variation 3906323 (VCV003906323.2).
Genomic context (GRCh38, chr3:47,098,045, plus strand): 5'-CATTTTCCCTCCTGCTGCTCTGATGCTGACTCTGTTTTCTCCTCCCAGGTAACCCCGGCA[A>C]TTGGCTGATCCGCAGAAACATTTCTGGGCTTCTTTTCTGTTCAAAGAGCATAGGAAAGAA-3'
Protein context (NP_054878.5, residues 1674-1694): EAQKCFCGSA[Asn1684Lys]CRGYLGGENR